The following is an entry in ClinVar:

ClinVar aggregate classification (germline): Uncertain significance (1 of 4 stars; one submission).

Conditions:
Dystonic disorder. Also called: Dystonia. Identifiers: MedGen C0013421, MONDO:0003441, HP:0001332.

Allele frequency attached by ClinVar (database versions not stated): ExAC 0.00001; gnomAD 0.00001 and 0.00003; gnomAD exomes 0.00001 and 0.00011; TOPMed 0.00002.
gnomAD v4.1: 161 of 1,613,964 alleles (0.01%); highest among the groups gnomAD compares: East Asian, 0.35%; 3 homozygotes.

Submission:

Labcorp Genetics (formerly Invitae), Labcorp
Classification: Uncertain significance for Dystonic disorder. Last evaluated: 2024-03-13. Review status: criteria provided, single submitter. Criteria: Invitae Variant Classification Sherloc (09022015). Collection method: clinical testing. Allele origin: germline.
Comment: This sequence change replaces alanine, which is neutral and non-polar, with valine, which is neutral and non-polar, at codon 41 of the ANO3 protein (p.Ala41Val). This variant is present in population databases (rs759292156, gnomAD 0.01%). This variant has not been reported in the literature in individuals affected with ANO3-related conditions. ClinVar contains an entry for this variant (Variation ID: 579456). Advanced modeling of protein sequence and biophysical properties (such as structural, functional, and spatial information, amino acid conservation, physicochemical variation, residue mobility, and thermodynamic stability) performed at Invitae indicates that this missense variant is not expected to disrupt ANO3 protein function with a negative predictive value of 95%. In summary, the available evidence is currently insufficient to determine the role of this variant in disease. Therefore, it has been classified as a Variant of Uncertain Significance.

NM_031418.4(ANO3):c.122C>T (p.Ala41Val)

Gene: ANO3 (anoctamin 3; plus strand). Cytogenetic location: 11p14.2.
Variant type: single nucleotide variant.
Coding change: c.122C>T on transcript NM_031418.4 (MANE Select); coding-DNA position 122, C replaced by T.
Protein change: p.Ala41Val; replaces alanine 41 with valine.
Molecular consequence: missense variant.
Genome position (GRCh38, 1-based): chr11:26,441,993, C>T. VCF-style: chr11-26441993-C-T. GRCh37 (hg19) VCF-style: chr11-26463540-C-T.
Other names: c.305C>T, p.Ala102Val (NM_001313726.2); short protein forms A102V, A41V.
Identifiers: ClinVar variation 579456 (VCV000579456.11), dbSNP rs759292156, ClinGen allele CA5925460.
Genomic context (GRCh38, chr11:26,441,993, plus strand): 5'-AGAGTGAGATAACAAAAGAAACTTCGTTAAAACCGTCTCGGAGATCCCTGCCTTGCCTCG[C>T]CCAGAGCTACGCTTACTCAAAGAGCTTGAGCCAGTCTACTTCCCTCTTCCAGTCAACCGA-3'
Protein context (NP_113606.2, residues 31-51): KPSRRSLPCL[Ala41Val]QSYAYSKSLS